The following is an entry in ClinVar:

NM_000161.3(GCH1):c.145C>T (p.Pro49Ser)

Gene: GCH1 (GTP cyclohydrolase 1; minus strand). Cytogenetic location: 14q22.2.
Variant type: single nucleotide variant.
Coding change: c.145C>T on transcript NM_000161.3 (MANE Select); coding-DNA position 145, C replaced by T.
Protein change: p.Pro49Ser; replaces proline 49 with serine.
Molecular consequence: missense variant.
Genome position (GRCh38, 1-based): chr14:54,902,519, G>A on the plus strand (C>T on the coding strand, the complement: GCH1 is on the minus strand). VCF-style: chr14-54902519-G-A. GRCh37 (hg19) VCF-style: chr14-55369237-G-A.
Other names: c.145C>T, p.Pro49Ser (NM_001024024.2, NM_001024070.2, NM_001024071.2 and 1 more transcripts); short protein forms P49S.
Identifiers: ClinVar variation 2925684 (VCV002925684.3), dbSNP rs573085618, ClinGen allele CA7193675.

ClinVar aggregate classification (germline): Uncertain significance (1 of 4 stars; one submission).

Conditions:
Dystonia 5 (DRD). Also called: DYSTONIA, PROGRESSIVE, WITH DIURNAL VARIATION; DYSTONIA-PARKINSONISM WITH DIURNAL FLUCTUATION; GTP Cyclohydrolase 1-Deficient Dopa-Responsive Dystonia; Dystonia, DOPA-responsive, with or without hyperphenylalaninemia; DYT-GCH1. Identifiers: Orphanet 98808, MedGen C1851920, MONDO:0007495, OMIM 128230.
GTP cyclohydrolase I deficiency. Identifiers: MedGen C0268467, MONDO:0100184.

Allele frequency attached by ClinVar (database versions not stated): 1000 Genomes Project 0.00020; 1000 Genomes Project 30x 0.00031.
gnomAD v4.1: 8 of 1,596,374 alleles (0.0005%); highest among the groups gnomAD compares: Non-Finnish European, 0.00068%; no homozygotes.

Submission:

Labcorp Genetics (formerly Invitae), Labcorp
Classification: Uncertain significance for GTP cyclohydrolase I deficiency; Dystonia 5. Last evaluated: 2024-11-06. Review status: criteria provided, single submitter. Criteria: Invitae Variant Classification Sherloc (09022015). Collection method: clinical testing. Allele origin: germline.
Comment: This sequence change replaces proline, which is neutral and non-polar, with serine, which is neutral and polar, at codon 49 of the GCH1 protein (p.Pro49Ser). This variant is not present in population databases (gnomAD no frequency). This variant has not been reported in the literature in individuals affected with GCH1-related conditions. ClinVar contains an entry for this variant (Variation ID: 2925684). Invitae Evidence Modeling of protein sequence and biophysical properties (such as structural, functional, and spatial information, amino acid conservation, physicochemical variation, residue mobility, and thermodynamic stability) indicates that this missense variant is not expected to disrupt GCH1 protein function with a negative predictive value of 95%. In summary, the available evidence is currently insufficient to determine the role of this variant in disease. Therefore, it has been classified as a Variant of Uncertain Significance.